The following is an entry in ClinVar:

ClinVar aggregate classification (germline): Uncertain significance. Review status: criteria provided, multiple submitters, no conflicts (2 of 4 stars). 2 submissions from 2 submitters: Uncertain significance (2). Last evaluated 2023-12-11.

Conditions:
Severe combined immunodeficiency due to DNA-PKcs deficiency. Also called: IMMUNODEFICIENCY 26 WITH NEUROLOGIC ABNORMALITIES; Immunodeficiency 26 with or without neurologic abnormalities. Identifiers: Orphanet 317425, MedGen C4014833, MONDO:0014423, OMIM 615966.

Submissions (2):

Labcorp Genetics (formerly Invitae), Labcorp
Classification: Uncertain significance for Severe combined immunodeficiency due to DNA-PKcs deficiency. Last evaluated: 2023-12-11. Review status: criteria provided, single submitter. Criteria: Invitae Variant Classification Sherloc (09022015). Collection method: clinical testing. Allele origin: germline.
Comment: This sequence change replaces leucine with methionine at codon 196 of the PRKDC protein (p.Leu196Met). The leucine residue is highly conserved and there is a small physicochemical difference between leucine and methionine. This variant is not present in population databases (gnomAD no frequency). This variant has not been reported in the literature in individuals affected with PRKDC-related conditions. ClinVar contains an entry for this variant (Variation ID: 1366353). Advanced modeling of protein sequence and biophysical properties (such as structural, functional, and spatial information, amino acid conservation, physicochemical variation, residue mobility, and thermodynamic stability) performed at Invitae indicates that this missense variant is expected to disrupt PRKDC protein function with a positive predictive value of 80%. In summary, the available evidence is currently insufficient to determine the role of this variant in disease. Therefore, it has been classified as a Variant of Uncertain Significance.

Ambry Genetics
Classification: Uncertain significance. Last evaluated: 2022-07-08. Review status: criteria provided, single submitter. Criteria: Ambry Variant Classification Scheme 2023. Collection method: clinical testing. Allele origin: germline.
Comment: The p.L196M variant (also known as c.586C>A), located in coding exon 6 of the PRKDC gene, results from a C to A substitution at nucleotide position 586. The leucine at codon 196 is replaced by methionine, an amino acid with highly similar properties. This amino acid position is conserved. In addition, the in silico prediction for this alteration is inconclusive. Since supporting evidence is limited at this time, the clinical significance of this alteration remains unclear.

NM_006904.7(PRKDC):c.586C>A (p.Leu196Met)

Gene: PRKDC (protein kinase, DNA-activated, catalytic subunit; minus strand). Cytogenetic location: 8q11.21.
Variant type: single nucleotide variant.
Coding change: c.586C>A on transcript NM_006904.7 (MANE Select); coding-DNA position 586, C replaced by A.
Protein change: p.Leu196Met; replaces leucine 196 with methionine.
Molecular consequence: missense variant.
Genome position (GRCh38, 1-based): chr8:47,953,842, G>T on the plus strand (C>A on the coding strand, the complement: PRKDC is on the minus strand). VCF-style: chr8-47953842-G-T. GRCh37 (hg19) VCF-style: chr8-48866402-G-T.
Other names: c.586C>A, p.Leu196Met (NM_001081640.2); short protein forms L196M.
Identifiers: ClinVar variation 1366353 (VCV001366353.7), dbSNP rs2090663090, ClinGen allele CA371138765.